The following is an entry in ClinVar:

NM_017739.4(POMGNT1):c.1785+1G>A

Genes: POMGNT1 (protein O-linked mannose N-acetylglucosaminyltransferase 1 (beta 1,2-); minus strand), TSPAN1 (tetraspanin 1; plus strand). Cytogenetic location: 1p34.1.
Variant type: single nucleotide variant.
Coding change: c.1785+1G>A on transcript NM_017739.4 (MANE Select); the canonical splice donor site of the intron after coding-DNA position 1785, G replaced by A.
Molecular consequence: splice donor variant.
Genome position (GRCh38, 1-based): chr1:46,189,853, C>T on the plus strand (G>A on the coding strand, the complement: POMGNT1 is on the minus strand). VCF-style: chr1-46189853-C-T. GRCh37 (hg19) VCF-style: chr1-46655525-C-T.
Other names: c.1785+1G>A (NM_001243766.2, NM_001438686.1, NM_001438688.1 and 3 more transcripts); c.1719+1G>A (NM_001290129.3, NM_001438691.1, NM_001438692.1); c.1356+1G>A (NM_001290130.2).
Identifiers: ClinVar variation 1499469 (VCV001499469.8), dbSNP rs2148166435, ClinGen allele CA340171168.

ClinVar aggregate classification (germline): Pathogenic/Likely pathogenic. Review status: criteria provided, multiple submitters, no conflicts (2 of 4 stars). 3 submissions from 3 submitters: Pathogenic (1); Likely pathogenic (2). Last evaluated 2025-06-25.

Conditions:
Muscular dystrophy-dystroglycanopathy (congenital with brain and eye anomalies), type A3. Also called: Congenital muscular dystrophy-dystroglycanopathy with brain and eye anomalies, type A3; Muscular dystrophy-dystroglycanopathy (congenital with brain and eye anomalies), type A, 3; WALKER-WARBURG SYNDROME OR MUSCLE-EYE-BRAIN DISEASE, POMGNT1-RELATED. Identifiers: MedGen C3151519, MONDO:0009667, OMIM 253280.
Retinitis pigmentosa 76 (RP76). Identifiers: MedGen C4310704, MONDO:0014929, OMIM 617123.
Autosomal recessive limb-girdle muscular dystrophy type 2O. Also called: Limb-Girdle Muscular Dystrophy Type 3C; MUSCULAR DYSTROPHY-DYSTROGLYCANOPATHY (LIMB-GIRDLE), TYPE C, 3; MUSCULAR DYSTROPHY-DYSTROGLYCANOPATHY, LIMB-GIRDLE, POMGNT1-RELATED. Identifiers: Orphanet 206564, MedGen C3150417, MONDO:0013161, OMIM 613157.
Muscular dystrophy-dystroglycanopathy (congenital with impaired intellectual development), type B, 3. Also called: Muscular dystrophy-dystroglycanopathy (congenital with intellectual disability), type B3; MUSCULAR DYSTROPHY, CONGENITAL, POMGNT1-RELATED. Identifiers: MedGen C3150412, MONDO:0013155, OMIM 613151.

gnomAD v4.1: 2 of 1,613,780 alleles (0.00012%); highest among the groups gnomAD compares: Non-Finnish European, 0.00017%; no homozygotes.

Submissions (3):

GeneDx
Classification: Pathogenic. Last evaluated: 2025-06-25. Review status: criteria provided, single submitter. Criteria: GeneDx Variant Classification Process June 2021. Collection method: clinical testing. Allele origin: germline. Affected: yes.
Comment: Not observed at significant frequency in large population cohorts (gnomAD); Canonical splice site variant predicted to result in a null allele in a gene for which loss of function is a known mechanism of disease; This variant is associated with the following publications: (PMID: 34426522, 24731844)

Fulgent Genetics
Classification: Likely pathogenic for Muscular dystrophy-dystroglycanopathy (congenital with brain and eye anomalies), type A3; Muscular dystrophy-dystroglycanopathy (congenital with impaired intellectual development), type B, 3; Autosomal recessive limb-girdle muscular dystrophy type 2O; Retinitis pigmentosa 76. Last evaluated: 2024-03-30. Review status: criteria provided, single submitter. Criteria: ACMG Guidelines, 2015. Collection method: clinical testing. Allele origin: germline.

Labcorp Genetics (formerly Invitae), Labcorp
Classification: Likely pathogenic for Autosomal recessive limb-girdle muscular dystrophy type 2O; Muscular dystrophy-dystroglycanopathy (congenital with impaired intellectual development), type B, 3. Last evaluated: 2021-10-31. Review status: criteria provided, single submitter. Criteria: Invitae Variant Classification Sherloc (09022015). Collection method: clinical testing. Allele origin: germline.
Comment: In summary, the currently available evidence indicates that the variant is pathogenic, but additional data are needed to prove that conclusively. Therefore, this variant has been classified as Likely Pathogenic. Algorithms developed to predict the effect of sequence changes on RNA splicing suggest that this variant may disrupt the consensus splice site. Disruption of this splice site has been observed in individual(s) with muscle-eye-brain disease (PMID: 24731844). This variant is not present in population databases (gnomAD no frequency). This sequence change affects a donor splice site in intron 20 of the POMGNT1 gene. It is expected to disrupt RNA splicing. Variants that disrupt the donor or acceptor splice site typically lead to a loss of protein function (PMID: 16199547), and loss-of-function variants in POMGNT1 are known to be pathogenic (PMID: 19299310, 20816175, 21447391, 26908613, 27391550).

Literature cited by the submitters: PubMed 24731844 (cited by Labcorp Genetics (formerly Invitae), Labcorp); PubMed 16199547 (cited by Labcorp Genetics (formerly Invitae), Labcorp); PubMed 19299310 (cited by Labcorp Genetics (formerly Invitae), Labcorp); PubMed 20816175 (cited by Labcorp Genetics (formerly Invitae), Labcorp); PubMed 21447391 (cited by Labcorp Genetics (formerly Invitae), Labcorp); PubMed 26908613 (cited by Labcorp Genetics (formerly Invitae), Labcorp); PubMed 27391550 (cited by Labcorp Genetics (formerly Invitae), Labcorp).